The following is an entry in ClinVar:

NM_001037.5(SCN1B):c.448+257G>A

Gene: SCN1B (sodium voltage-gated channel beta subunit 1; plus strand). Cytogenetic location: 19q13.11.
Variant type: single nucleotide variant.
Coding change: c.448+257G>A on transcript NM_001037.5 (MANE Select); 257 bases into the intron after coding-DNA position 448, G replaced by A.
Molecular consequence: intron variant. On other transcripts: synonymous variant (1).
Genome position (GRCh38, 1-based): chr19:35,033,996, G>A. VCF-style: chr19-35033996-G-A. GRCh37 (hg19) VCF-style: chr19-35524900-G-A.
Other names: c.705G>A, p.Leu235= (NM_199037.5); c.349+257G>A (NM_001321605.2).
Identifiers: ClinVar variation 3778467 (VCV003778467.7).
Genomic context (GRCh38, chr19:35,033,996, plus strand): 5'-AGGTCAAAGCATGCCTGTCCCCCACAGACGCTCCGGGTACAGAACCCAGCTCTGTCACCT[G>A]TGCTGTATGACCTCTGGCAGGTGCCTTCTGTCTCTGAGCCAAAGGGTTGTCCTGGGCTTG-3'

ClinVar aggregate classification (germline): Likely benign (1 of 4 stars; one submission).

Submission:

CeGaT Center for Human Genetics Tuebingen
Classification: Likely benign. Last evaluated: 2025-03-01. Review status: criteria provided, single submitter. Criteria: CeGaT Center For Human Genetics Tuebingen Variant Classification Criteria Version 2. Collection method: clinical testing. Allele origin: germline. Affected: yes. Observed: 1 variant allele.
Comment: SCN1B: PM2:Supporting, BP4, BP7